The following is an entry in ClinVar:

NM_001202.6(BMP4):c.362A>G (p.His121Arg)

Gene: BMP4 (bone morphogenetic protein 4; minus strand). Cytogenetic location: 14q22.2.
Variant type: single nucleotide variant.
Coding change: c.362A>G on transcript NM_001202.6 (MANE Select); coding-DNA position 362, A replaced by G.
Protein change: p.His121Arg; replaces histidine 121 with arginine.
Molecular consequence: missense variant.
Genome position (GRCh38, 1-based): chr14:53,951,861, T>C on the plus strand (A>G on the coding strand, the complement: BMP4 is on the minus strand). VCF-style: chr14-53951861-T-C. GRCh37 (hg19) VCF-style: chr14-54418579-T-C.
Other names: c.503A>G, p.His168Arg (NM_001347912.1); c.173A>G, p.His58Arg (NM_001347913.2, NM_001347915.2, NM_001347917.1); c.362A>G, p.His121Arg (NM_001347914.2, NM_001347916.1, NM_130850.5 and 1 more transcripts); c.362A>G (NM_001202.5); short protein forms H121R, H58R, H168R.
Identifiers: ClinVar variation 29618 (VCV000029618.38), dbSNP rs376960358, ClinGen allele CA259604.
Genomic context (GRCh38, chr14:53,951,861, plus strand): 5'-TCTAGCCAGTCCCACCAGCCCTCCCCCACGCAGACTGGGGGAAGAGACTGACCTTCGTGG[T>C]GGAAGCTCCTCACGGTGTTGGCCCGGCTGGCCGGGCGCTCAGGATACTCAAGACCAGTGC-3'
Protein context (NP_001193.2, residues 111-131): ASRANTVRSF[His121Arg]HEEHLENIPG

ClinVar aggregate classification (germline): Conflicting classifications of pathogenicity. Review status: criteria provided, conflicting classifications (1 of 4 stars). 5 submissions from 5 submitters: Uncertain significance (1); Likely benign (2). 2 of the submissions do not count toward it. Last evaluated 2025-09-22.

Conditions:
BMP4-related disorder. Also called: BMP4-related condition.
Microphthalmia with brain and digit anomalies (MCOPS6). Also called: MICROPHTHALMIA AND PITUITARY ANOMALIES; Microphthalmia, syndromic 6. Identifiers: Orphanet 139471, MedGen C1864689, MONDO:0011936, OMIM 607932.
Orofacial cleft 11 (OFC11). Also called: Orofacial cleft 11; ofc11; CLEFT LIP WITH OR WITHOUT CLEFT PALATE, NONSYNDROMIC, 11. Identifiers: MedGen C2677434, MONDO:0010906, OMIM 600625.

Allele frequency attached by ClinVar (database versions not stated): ESP Exome Variant Server 0.00008; gnomAD exomes 0.00011 and 0.00034; TOPMed 0.00014; gnomAD 0.00015; ExAC 0.00039.
gnomAD v4.1: 199 of 1,599,388 alleles (0.012%); highest among the groups gnomAD compares: Admixed American, 0.07%; 1 homozygote.

Submissions (5):

Labcorp Genetics (formerly Invitae), Labcorp
Classification: Likely benign for Microphthalmia with brain and digit anomalies; Orofacial cleft 11. Last evaluated: 2025-09-22. Review status: criteria provided, single submitter. Criteria: Invitae Variant Classification Sherloc (09022015). Collection method: clinical testing. Allele origin: germline.

CeGaT Center for Human Genetics Tuebingen
Classification: Likely benign. Last evaluated: 2023-06-01. Review status: criteria provided, single submitter. Criteria: CeGaT Center For Human Genetics Tuebingen Variant Classification Criteria Version 2. Collection method: clinical testing. Allele origin: germline. Affected: yes. Observed: 2 variant alleles.
Comment: BMP4: BS1

Illumina Laboratory Services, Illumina
Classification: Uncertain significance for Orofacial cleft 11. Last evaluated: 2017-04-27. Review status: criteria provided, single submitter. Criteria: ICSL Variant Classification Criteria 13 December 2019. Collection method: clinical testing. Allele origin: germline.

PreventionGenetics, part of Exact Sciences
Classification: Likely benign for BMP4-related condition. Last evaluated: 2022-03-19. Review status: no assertion criteria provided. Collection method: clinical testing. Allele origin: germline. Not counted in ClinVar's aggregate classification.
Comment: This variant is classified as likely benign based on ACMG/AMP sequence variant interpretation guidelines (Richards et al. 2015 PMID: 25741868, with internal and published modifications).

OMIM
Classification: Pathogenic for MICROPHTHALMIA, SYNDROMIC 6. Last evaluated: 2011-10-01. Review status: no assertion criteria provided. Collection method: literature only. Allele origin: germline. Not counted in ClinVar's aggregate classification.

Literature cited by the submitters: PubMed 21340693 (cited by OMIM).